The following is an entry in ClinVar:

NM_205861.3(DHDDS):c.946G>A (p.Ala316Thr)

Gene: DHDDS (dehydrodolichyl diphosphate synthase subunit; plus strand). Cytogenetic location: 1p36.11.
Variant type: single nucleotide variant.
Coding change: c.946G>A on transcript NM_205861.3 (MANE Select); coding-DNA position 946, G replaced by A.
Protein change: p.Ala316Thr; replaces alanine 316 with threonine.
Molecular consequence: missense variant.
Genome position (GRCh38, 1-based): chr1:26,469,075, G>A. VCF-style: chr1-26469075-G-A. GRCh37 (hg19) VCF-style: chr1-26795566-G-A.
Other names: c.844G>A, p.Ala282Thr (NM_001243564.2); c.829G>A, p.Ala277Thr (NM_001243565.2); c.667G>A, p.Ala223Thr (NM_001319959.2); c.949G>A, p.Ala317Thr (NM_024887.4); c.949G>A (NM_024887.3); short protein forms A282T, A277T, A317T, A223T, A316T.
Identifiers: ClinVar variation 2166029 (VCV002166029.4), dbSNP rs760304376, ClinGen allele CA705498.
Genomic context (GRCh38, chr1:26,469,075, plus strand): 5'-AGGACACGCTTGCACAAACTCTCGGCCAGACGGGAAGAGCGAGTCCAAGGCTTCCTGCAG[G>A]CCTTGGAACTCAAGCGAGCTGACTGGCTGGCCCGTCTGGGCACTGCATCAGCCTGAATGA-3'
Protein context (NP_995583.1, residues 306-326): REERVQGFLQ[Ala316Thr]LELKRADWLA

ClinVar aggregate classification (germline): Uncertain significance. Review status: criteria provided, multiple submitters, no conflicts (2 of 4 stars). 3 submissions from 3 submitters: Uncertain significance (3). Last evaluated 2024-11-24.

Conditions:
Inborn genetic diseases. Identifiers: MedGen C0950123, MeSH D030342.
Retinitis pigmentosa 59 (RP59). Identifiers: Orphanet 791, MedGen C3151227, MONDO:0013468, OMIM 613861.

Allele frequency attached by ClinVar (database versions not stated): gnomAD 0.00001; gnomAD exomes 0.00004; ExAC 0.00006.
gnomAD v4.1: 59 of 1,613,430 alleles (0.0037%); highest among the groups gnomAD compares: Admixed American, 0.017%; no homozygotes.

Submissions (3):

Ambry Genetics
Classification: Uncertain significance for Inborn genetic diseases. Last evaluated: 2024-11-24. Review status: criteria provided, single submitter. Criteria: Ambry Variant Classification Scheme 2023. Collection method: clinical testing. Allele origin: germline.

Blueprint Genetics
Classification: Uncertain significance. Last evaluated: 2024-09-06. Review status: criteria provided, single submitter. Criteria: ACMG Guidelines, 2015. Collection method: clinical testing. Allele origin: germline.

Labcorp Genetics (formerly Invitae), Labcorp
Classification: Uncertain significance for Retinitis pigmentosa 59. Last evaluated: 2024-06-19. Review status: criteria provided, single submitter. Criteria: Invitae Variant Classification Sherloc (09022015). Collection method: clinical testing. Allele origin: germline.
Comment: This sequence change replaces alanine, which is neutral and non-polar, with threonine, which is neutral and polar, at codon 317 of the DHDDS protein (p.Ala317Thr). This variant is present in population databases (rs760304376, gnomAD 0.03%). This variant has not been reported in the literature in individuals affected with DHDDS-related conditions. An algorithm developed to predict the effect of missense changes on protein structure and function (PolyPhen-2) suggests that this variant¬†is likely to be tolerated. In summary, the available evidence is currently insufficient to determine the role of this variant in disease. Therefore, it has been classified as a Variant of Uncertain Significance.